The following is an entry in ClinVar:

ClinVar aggregate classification (germline): Pathogenic (1 of 4 stars; one submission).

Conditions:
Tatton-Brown-Rahman overgrowth syndrome. Also called: Tall stature-intellectual disability-facial dysmorphism syndrome; Tatton-Brown-Rahman syndrome. Identifiers: Orphanet 404443, MedGen C4014545, MONDO:0014382, OMIM 615879.

Allele frequency attached by ClinVar (database versions not stated): gnomAD exomes below 0.00001.

Submission:

Labcorp Genetics (formerly Invitae), Labcorp
Classification: Pathogenic for Tatton-Brown-Rahman overgrowth syndrome. Last evaluated: 2018-10-23. Review status: criteria provided, single submitter. Criteria: Invitae Variant Classification Sherloc (09022015). Collection method: clinical testing. Allele origin: germline.
Comment: This sequence change creates a premature translational stop signal (p.Ala246Leufs*70) in the DNMT3A gene. It is expected to result in an absent or disrupted protein product. For these reasons, this variant has been classified as Pathogenic. Loss-of-function variants in DNMT3A are known to be pathogenic (PMID: 24614070). This variant has not been reported in the literature in individuals with DNMT3A-related disease. This variant is not present in population databases (ExAC no frequency).

Literature cited by the submitters: PubMed 24614070.

NM_022552.5(DNMT3A):c.735del (p.Ala246fs)

Gene: DNMT3A (DNA methyltransferase 3 alpha; minus strand). Cytogenetic location: 2p23.3.
Variant type: Deletion.
Coding change: c.735del on transcript NM_022552.5 (MANE Select); coding-DNA position 735, one base deleted (T; older notation c.735delT).
Protein change: p.Ala246fs; shifts the reading frame from alanine 246.
Molecular consequence: frameshift variant. On other transcripts: non-coding transcript variant (1).
Genome position (GRCh38, 1-based): chr2:25,248,157, A deleted on the plus strand (T on the coding strand, the reverse complement: DNMT3A is on the minus strand). VCF-style (leftmost placement, unchanged base first): chr2-25248156-CA-C. GRCh37 (hg19) VCF-style: chr2-25471025-CA-C.
Other names: c.735delT (NM_175629.2); c.279del, p.Ala94fs (NM_001320893.1); c.66del, p.Ala23fs (NM_001375819.1); c.168del, p.Ala57fs (NM_153759.3); c.735del, p.Ala246fs (NM_175629.2); short protein forms A57fs, A246fs, A94fs, A23fs.
Identifiers: ClinVar variation 475178 (VCV000475178.8), dbSNP rs1553414406, ClinGen allele CA658655639.